The following is an entry in ClinVar:

NM_005515.4(MNX1):c.579C>G (p.His193Gln)

Gene: MNX1 (motor neuron and pancreas homeobox 1; minus strand). Cytogenetic location: 7q36.3.
Variant type: single nucleotide variant.
Coding change: c.579C>G on transcript NM_005515.4 (MANE Select); coding-DNA position 579, C replaced by G.
Protein change: p.His193Gln; replaces histidine 193 with glutamine.
Molecular consequence: missense variant.
Genome position (GRCh38, 1-based): chr7:157,009,772, G>C on the plus strand (C>G on the coding strand, the complement: MNX1 is on the minus strand). VCF-style: chr7-157009772-G-C. GRCh37 (hg19) VCF-style: chr7-156802466-G-C.
Other names: short protein forms H193Q.
Identifiers: ClinVar variation 2890958 (VCV002890958.3), dbSNP rs762054369, ClinGen allele CA4589273.

ClinVar aggregate classification (germline): Uncertain significance (1 of 4 stars; one submission).

Allele frequency attached by ClinVar (database versions not stated): TOPMed 0.00001; gnomAD 0.00001; ExAC 0.00002.
gnomAD v4.1: 35 of 1,597,840 alleles (0.0022%); highest among the groups gnomAD compares: Non-Finnish European, 0.0027%; no homozygotes.

Submission:

Labcorp Genetics (formerly Invitae), Labcorp
Classification: Uncertain significance. Last evaluated: 2025-12-01. Review status: criteria provided, single submitter. Criteria: Invitae Variant Classification Sherloc (09022015). Collection method: clinical testing. Allele origin: germline.
Comment: This sequence change replaces histidine, which is basic and polar, with glutamine, which is neutral and polar, at codon 193 of the MNX1 protein (p.His193Gln). This variant is present in population databases (rs762054369, gnomAD 0.005%). This variant has not been reported in the literature in individuals affected with MNX1-related conditions. ClinVar contains an entry for this variant (Variation ID: 2890958). Invitae Evidence Modeling of protein sequence and biophysical properties (such as structural, functional, and spatial information, amino acid conservation, physicochemical variation, residue mobility, and thermodynamic stability) indicates that this missense variant is not expected to disrupt MNX1 protein function with a negative predictive value of 80%. In summary, the available evidence is currently insufficient to determine the role of this variant in disease. Therefore, it has been classified as a Variant of Uncertain Significance.